The following is an entry in ClinVar:

NM_020745.4(AARS2):c.2426T>A (p.Leu809Gln)

Gene: AARS2 (alanyl-tRNA synthetase 2, mitochondrial; minus strand). Cytogenetic location: 6p21.1.
Variant type: single nucleotide variant.
Coding change: c.2426T>A on transcript NM_020745.4 (MANE Select); coding-DNA position 2426, T replaced by A.
Protein change: p.Leu809Gln; replaces leucine 809 with glutamine.
Molecular consequence: missense variant.
Genome position (GRCh38, 1-based): chr6:44,302,452, A>T on the plus strand (T>A on the coding strand, the complement: AARS2 is on the minus strand). VCF-style: chr6-44302452-A-T. GRCh37 (hg19) VCF-style: chr6-44270189-A-T.
Other names: p.L809Q:CTG>CAG; short protein forms L809Q.
Identifiers: ClinVar variation 136216 (VCV000136216.14), dbSNP rs35967387, ClinGen allele CA289182.

ClinVar aggregate classification (germline): Benign. Review status: criteria provided, multiple submitters, no conflicts (2 of 4 stars). 3 submissions from 3 submitters: Benign (3). Last evaluated 2026-01-27.

Conditions:
Combined oxidative phosphorylation defect type 8. Also called: CARDIOMYOPATHY, HYPERTROPHIC MITOCHONDRIAL, FATAL INFANTILE. Identifiers: Orphanet 319504, MedGen C4518839, MONDO:0013570, OMIM 614096.

Allele frequency attached by ClinVar (database versions not stated): gnomAD exomes 0.00459; ExAC 0.00562; gnomAD 0.01737 and 0.01853; TOPMed 0.01902; ESP Exome Variant Server 0.01976; 1000 Genomes Project 30x 0.02249; 1000 Genomes Project 0.02276.
gnomAD v4.1: 5,259 of 1,614,128 alleles (0.33%); highest among the groups gnomAD compares: African/African-American, 6.1%; 148 homozygotes.

Submissions (3):

Labcorp Genetics (formerly Invitae), Labcorp
Classification: Benign. Last evaluated: 2026-01-27. Review status: criteria provided, single submitter. Criteria: Invitae Variant Classification Sherloc (09022015). Collection method: clinical testing. Allele origin: germline.

Illumina Laboratory Services, Illumina
Classification: Benign for Combined oxidative phosphorylation defect type 8. Last evaluated: 2018-01-12. Review status: criteria provided, single submitter. Criteria: ICSL Variant Classification Criteria 13 December 2019. Collection method: clinical testing. Allele origin: germline.
Comment: This variant was observed in the ICSL laboratory as part of a predisposition screen in an ostensibly healthy population. It had not been previously curated by ICSL or reported in the Human Gene Mutation Database (HGMD: prior to June 1st, 2018), and was therefore a candidate for classification through an automated scoring system. Utilizing variant allele frequency, disease prevalence and penetrance estimates, and inheritance mode, an automated score was calculated to assess if this variant is too frequent to cause the disease. Based on the score and internal cut-off values, a variant classified as benign is not then subjected to further curation. The score for this variant resulted in a classification of benign for this disease.

GeneDx
Classification: Benign. Last evaluated: 2012-08-08. Review status: criteria provided, single submitter. Criteria: GeneDx Variant Classification (06012015). Collection method: clinical testing. Allele origin: germline. Affected: yes.
Comment: This variant is considered likely benign or benign based on one or more of the following criteria: it is a conservative change, it occurs at a poorly conserved position in the protein, it is predicted to be benign by multiple in silico algorithms, and/or has population frequency not consistent with disease.